The following is an entry in ClinVar:

ClinVar aggregate classification (germline): Conflicting classifications of pathogenicity. Review status: criteria provided, conflicting classifications (1 of 4 stars). 7 submissions from 7 submitters: Uncertain significance (1); Likely benign (6). Last evaluated 2025-09-07.

Conditions:
Cornelia de Lange syndrome 1 (CDLS1). Also called: Brachmann de Lange syndrome; NIPBL-Related Cornelia de Lange Syndrome; TYPUS DEGENERATIVUS AMSTELODAMENSIS. Identifiers: Orphanet 199, MedGen C4551851, MONDO:0007387, OMIM 122470.

Allele frequency attached by ClinVar (database versions not stated): gnomAD exomes 0.00005 and 0.00006; 1000 Genomes Project 30x 0.00016; 1000 Genomes Project 0.00020; gnomAD 0.00023 and 0.00024; TOPMed 0.00046; ExAC 0.00007; ESP Exome Variant Server 0.00015.
gnomAD v4.1: 110 of 1,613,952 alleles (0.0068%); highest among the groups gnomAD compares: Admixed American, 0.067%; no homozygotes.

Submissions (7):

Labcorp Genetics (formerly Invitae), Labcorp
Classification: Likely benign for Cornelia de Lange syndrome 1. Last evaluated: 2025-09-07. Review status: criteria provided, single submitter. Criteria: Invitae Variant Classification Sherloc (09022015). Collection method: clinical testing. Allele origin: germline.

Blueprint Genetics
Classification: Likely benign. Last evaluated: 2024-08-13. Review status: criteria provided, single submitter. Criteria: ACMG Guidelines, 2015. Collection method: clinical testing. Allele origin: germline.

Women's Health and Genetics/Laboratory Corporation of America, LabCorp
Classification: Likely benign. Last evaluated: 2023-09-19. Review status: criteria provided, single submitter. Criteria: LabCorp Variant Classification Summary - May 2015. Collection method: clinical testing. Allele origin: germline.
Comment: Variant summary: NIPBL c.5101T>C (p.Ser1701Pro) results in a non-conservative amino acid change in the encoded protein sequence. Three of five in-silico tools predict a damaging effect of the variant on protein function. The variant allele was found at a frequency of 0.00012 in 396030 control chromosomes (i.e., 49 heterozygotes), predominantly at a frequency of 0.00059 within the Latino subpopulation in the gnomAD database. The available data on variant occurrences in the general population are insufficient to allow any conclusion about variant significance, however are not suggestive of a variant associated with highly-penetrant, early-onset, autosomal dominant disease. To our knowledge, no occurrence of c.5101T>C in individuals affected with Cornelia De Lange Syndrome 1 and no experimental evidence demonstrating its impact on protein function have been reported. Four submitters have reported clinical-significance assessments for this variant to ClinVar after 2014; three submitters classified the variant as likely benign, and one submitter classified the variant as uncertain significance. Based on the evidence outlined above, the variant was classified as likely benign.

CeGaT Center for Human Genetics Tuebingen
Classification: Likely benign. Last evaluated: 2022-05-01. Review status: criteria provided, single submitter. Criteria: CeGaT Center For Human Genetics Tuebingen Variant Classification Criteria Version 2. Collection method: clinical testing. Allele origin: germline. Affected: yes. Observed: 2 variant alleles.
Comment: NIPBL: BS1

Revvity Omics, Revvity
Classification: Uncertain significance for Cornelia de Lange syndrome 1. Last evaluated: 2021-03-22. Review status: criteria provided, single submitter. Criteria: ACMG Guidelines, 2015. Collection method: clinical testing. Allele origin: germline.

GeneDx
Classification: Likely benign. Last evaluated: 2018-06-08. Review status: criteria provided, single submitter. Criteria: GeneDx Variant Classification (06012015). Collection method: clinical testing. Allele origin: germline. Affected: yes.
Comment: This variant is considered likely benign or benign based on one or more of the following criteria: it is a conservative change, it occurs at a poorly conserved position in the protein, it is predicted to be benign by multiple in silico algorithms, and/or has population frequency not consistent with disease.

Eurofins Ntd Llc (ga)
Classification: Likely benign. Last evaluated: 2017-01-20. Review status: criteria provided, single submitter. Criteria: EGL Classification Definitions 2015. Collection method: clinical testing. Allele origin: germline. Observed: 2 variant alleles, 2 heterozygotes.

NM_133433.4(NIPBL):c.5101T>C (p.Ser1701Pro)

Gene: NIPBL (NIPBL cohesin loading factor; plus strand). Cytogenetic location: 5p13.2.
Variant type: single nucleotide variant.
Coding change: c.5101T>C on transcript NM_133433.4 (MANE Select); coding-DNA position 5101, T replaced by C.
Protein change: p.Ser1701Pro; replaces serine 1701 with proline.
Molecular consequence: missense variant.
Genome position (GRCh38, 1-based): chr5:37,020,549, T>C. VCF-style: chr5-37020549-T-C. GRCh37 (hg19) VCF-style: chr5-37020651-T-C.
Other names: c.5101T>C, p.Ser1701Pro (NM_015384.5); short protein forms S1701P.
Identifiers: ClinVar variation 497699 (VCV000497699.39), dbSNP rs139819353, ClinGen allele CA3236699.